The following is an entry in ClinVar:

ClinVar aggregate classification (germline): Uncertain significance (1 of 4 stars; one submission).

Conditions:
X-linked lymphoproliferative disease due to XIAP deficiency. Also called: XIAP-Related Lymphoproliferative Disease, X-Linked; XIAP DEFICIENCY. Identifiers: Orphanet 2442, Orphanet 538934, MedGen C1845076, MONDO:0010385, OMIM 300635.

Allele frequency attached by ClinVar (database versions not stated): TOPMed 0.00001.

Submission:

Labcorp Genetics (formerly Invitae), Labcorp
Classification: Uncertain significance for X-linked lymphoproliferative disease due to XIAP deficiency. Last evaluated: 2019-05-25. Review status: criteria provided, single submitter. Criteria: Invitae Variant Classification Sherloc (09022015). Collection method: clinical testing. Allele origin: germline.
Comment: In summary, the available evidence is currently insufficient to determine the role of this variant in disease. Therefore, it has been classified as a Variant of Uncertain Significance. Nucleotide substitutions within the consensus splice site are a relatively common cause of aberrant splicing (PMID: 17576681, 9536098). Algorithms developed to predict the effect of sequence changes on RNA splicing suggest that this variant may disrupt the consensus splice site, but this prediction has not been confirmed by published transcriptional studies. This variant has not been reported in the literature in individuals with XIAP-related conditions. This variant is not present in population databases (ExAC no frequency). This sequence change falls in intron 3 of the XIAP gene. It does not directly change the encoded amino acid sequence of the XIAP protein, but it affects a nucleotide within the consensus splice site of the intron.

Literature cited by the submitters: PubMed 17576681; PubMed 9536098.

NM_001167.4(XIAP):c.977+3A>G

Gene: XIAP (X-linked inhibitor of apoptosis; plus strand). Cytogenetic location: Xq25.
Variant type: single nucleotide variant.
Coding change: c.977+3A>G on transcript NM_001167.4 (MANE Select); 3 bases into the intron after coding-DNA position 977, A replaced by G.
Molecular consequence: intron variant.
Genome position (GRCh38, 1-based): chrX:123,888,721, A>G. VCF-style: chrX-123888721-A-G. GRCh37 (hg19) VCF-style: chrX-123022571-A-G.
Other names: c.977+3A>G (NM_001378592.1, NM_001378591.1, NM_001204401.2 and 1 more transcripts).
Identifiers: ClinVar variation 944071 (VCV000944071.7), dbSNP rs2053376412, ClinGen allele CA1139667783.